The following is an entry in ClinVar:

ClinVar aggregate classification (germline): Conflicting classifications of pathogenicity. Review status: criteria provided, conflicting classifications (1 of 4 stars). 3 submissions from 3 submitters: Uncertain significance (1); Likely benign (2). Last evaluated 2023-03-05.

Conditions:
Hereditary cancer-predisposing syndrome. Also called: Tumor predisposition; Neoplastic Syndromes, Hereditary; Hereditary Cancer Syndrome; Hereditary neoplastic syndrome. Identifiers: Orphanet 140162, MedGen C0027672, MeSH D009386, MONDO:0015356.

Allele frequency attached by ClinVar (database versions not stated): gnomAD exomes 0.00001; ExAC 0.00002.
gnomAD v4.1: 6 of 1,613,456 alleles (0.00037%); highest among the groups gnomAD compares: South Asian, 0.0044%; no homozygotes.

Submissions (3):

Ambry Genetics
Classification: Likely benign for Hereditary cancer-predisposing syndrome. Last evaluated: 2023-03-05. Review status: criteria provided, single submitter. Criteria: Ambry Variant Classification Scheme 2023. Collection method: clinical testing. Allele origin: germline.

Labcorp Genetics (formerly Invitae), Labcorp
Classification: Likely benign. Last evaluated: 2022-05-01. Review status: criteria provided, single submitter. Criteria: Invitae Variant Classification Sherloc (09022015). Collection method: clinical testing. Allele origin: germline.

GeneDx
Classification: Uncertain significance. Last evaluated: 2019-08-22. Review status: criteria provided, single submitter. Criteria: GeneDx Variant Classification Process June 2021. Collection method: clinical testing. Allele origin: germline. Affected: yes.
Comment: Not observed at a significant frequency in large population cohorts (Lek et al., 2016); Has not been previously published as pathogenic or benign to our knowledge; In-silico analysis, which includes splice predictors and evolutionary conservation, is inconclusive as to whether the variant alters gene splicing. In the absence of RNA/functional studies, the actual effect of this sequence change is unknown.

NM_002528.7(NTHL1):c.690G>A (p.Val230=)

Gene: NTHL1 (nth like DNA glycosylase 1; minus strand). Cytogenetic location: 16p13.3.
Variant type: single nucleotide variant.
Coding change: c.690G>A on transcript NM_002528.7 (MANE Select); coding-DNA position 690, G replaced by A.
Protein change: p.Val230=; no amino-acid change (valine 230 retained).
Molecular consequence: synonymous variant.
Genome position (GRCh38, 1-based): chr16:2,040,234, C>T on the plus strand (G>A on the coding strand, the complement: NTHL1 is on the minus strand). VCF-style: chr16-2040234-C-T. GRCh37 (hg19) VCF-style: chr16-2090235-C-T.
Other names: c.519G>A, p.Val173= (NM_001318193.2); c.360G>A, p.Val120= (NM_001318194.2).
Identifiers: ClinVar variation 1309288 (VCV001309288.8), dbSNP rs756156987, ClinGen allele CA7828141.
Genomic context (GRCh38, chr16:2,040,234, plus strand): 5'-GGACTTGGTTGCCTTCTTGGTCCACCTCAGCCTGTTGGCGATTCTGTGCACATGCGTGTC[C>T]ACTGCTGCTGGGAGGCCAAGCGGGGTGAACAGGGGCACACTCCACCAGCCTAGCCCGTGC-3'
Protein context (NP_002519.2, residues 220-240): VAWGTVSGIA[Val230=]DTHVHRIANR